The following is an entry in ClinVar:

ClinVar aggregate classification (germline): Uncertain significance (1 of 4 stars; one submission).

Conditions:
Nemaline myopathy 2 (NEM2). Also called: Nemaline myopathy 2, autosomal recessive. Identifiers: MedGen C1850569, MONDO:0009725, OMIM 256030.

Allele frequency attached by ClinVar (database versions not stated): gnomAD exomes below 0.00001; ExAC 0.00001.
gnomAD v4.1: 1 of 1,613,420 alleles (0.000062%); highest among the groups gnomAD compares: Non-Finnish European, 0.000085%; no homozygotes.

Submission:

Labcorp Genetics (formerly Invitae), Labcorp
Classification: Uncertain significance for Nemaline myopathy 2. Last evaluated: 2022-04-30. Review status: criteria provided, single submitter. Criteria: Invitae Variant Classification Sherloc (09022015). Collection method: clinical testing. Allele origin: germline.
Comment: This sequence change replaces arginine, which is basic and polar, with serine, which is neutral and polar, at codon 5908 of the NEB protein (p.Arg5908Ser). This variant is present in population databases (rs777619904, gnomAD 0.0009%). This variant has not been reported in the literature in individuals affected with NEB-related conditions. Algorithms developed to predict the effect of missense changes on protein structure and function are either unavailable or do not agree on the potential impact of this missense change (SIFT: "Deleterious"; PolyPhen-2: "Not Available"; Align-GVGD: "Class C0"). In summary, the available evidence is currently insufficient to determine the role of this variant in disease. Therefore, it has been classified as a Variant of Uncertain Significance.

NM_001164508.2(NEB):c.17724G>C (p.Arg5908Ser)

Gene: NEB (nebulin; minus strand). Cytogenetic location: 2q23.3.
Variant type: single nucleotide variant.
Coding change: c.17724G>C on transcript NM_001164508.2 (MANE Select); coding-DNA position 17724, G replaced by C.
Protein change: p.Arg5908Ser; replaces arginine 5908 with serine.
Molecular consequence: missense variant.
Genome position (GRCh38, 1-based): chr2:151,568,328, C>G on the plus strand (G>C on the coding strand, the complement: NEB is on the minus strand). VCF-style: chr2-151568328-C-G. GRCh37 (hg19) VCF-style: chr2-152424842-C-G.
Other names: c.17724G>C, p.Arg5908Ser (NM_001164507.2, NM_001271208.2); c.12621G>C, p.Arg4207Ser (NM_004543.5); short protein forms R5908S, R4207S.
Identifiers: ClinVar variation 2132112 (VCV002132112.1), dbSNP rs777619904, ClinGen allele CA1908127.
Genomic context (GRCh38, chr2:151,568,328, plus strand): 5'-GGCCCTCCACTCGTACACAAACACCAGGCATGTGGGTGAAACCCATACCTGGTCCAGTAT[C>G]CTAGCAGCCTCCTGGGCAGTGTGCAGCAGGGGGGTTTCTGTGAGGGTGTACTTTGATTTG-3'
Protein context (NP_001157980.2, residues 5898-5918): PLLHTAQEAA[Arg5908Ser]ILDQYLYKEG